The following is an entry in ClinVar:

ClinVar aggregate classification (germline): Uncertain significance (1 of 4 stars; one submission).

Conditions:
Bethlem myopathy 1A. Also called: MYOPATHY, BENIGN CONGENITAL, WITH CONTRACTURES; Bethlem myopathy 1; Bethlem Muscular Dystrophy. Identifiers: Orphanet 610, MedGen CN029274, MONDO:0024530, OMIM 158810.

gnomAD v4.1: 7 of 1,614,198 alleles (0.00043%); highest among the groups gnomAD compares: Non-Finnish European, 0.00059%; no homozygotes.

Submission:

Labcorp Genetics (formerly Invitae), Labcorp
Classification: Uncertain significance for Bethlem myopathy 1A. Last evaluated: 2025-12-22. Review status: criteria provided, single submitter. Criteria: Invitae Variant Classification Sherloc (09022015). Collection method: clinical testing. Allele origin: germline.
Comment: This sequence change replaces glycine, which is neutral and non-polar, with aspartic acid, which is acidic and polar, at codon 615 of the COL6A3 protein (p.Gly615Asp). This variant is not present in population databases (gnomAD no frequency). This variant has not been reported in the literature in individuals affected with COL6A3-related conditions. Invitae Evidence Modeling of protein sequence and biophysical properties (such as structural, functional, and spatial information, amino acid conservation, physicochemical variation, residue mobility, and thermodynamic stability) indicates that this missense variant is not expected to disrupt COL6A3 protein function with a negative predictive value of 95%. In summary, the available evidence is currently insufficient to determine the role of this variant in disease. Therefore, it has been classified as a Variant of Uncertain Significance.

NM_004369.4(COL6A3):c.1844G>A (p.Gly615Asp)

Gene: COL6A3 (collagen type VI alpha 3 chain; minus strand). Cytogenetic location: 2q37.3.
Variant type: single nucleotide variant.
Coding change: c.1844G>A on transcript NM_004369.4 (MANE Select); coding-DNA position 1844, G replaced by A.
Protein change: p.Gly615Asp; replaces glycine 615 with aspartic acid.
Molecular consequence: missense variant.
Genome position (GRCh38, 1-based): chr2:237,380,968, C>T on the plus strand (G>A on the coding strand, the complement: COL6A3 is on the minus strand). VCF-style: chr2-237380968-C-T. GRCh37 (hg19) VCF-style: chr2-238289611-C-T.
Other names: c.623G>A, p.Gly208Asp (NM_057164.5, NM_057166.5); c.1226G>A, p.Gly409Asp (NM_057165.5, NM_057167.4); short protein forms G615D, G409D, G208D.
Identifiers: ClinVar variation 4707525 (VCV004707525.1).